The following is an entry in ClinVar:

NM_198253.3(TERT):c.304G>T (p.Ala102Ser)

Gene: TERT (telomerase reverse transcriptase; minus strand). Cytogenetic location: 5p15.33.
Variant type: single nucleotide variant.
Coding change: c.304G>T on transcript NM_198253.3 (MANE Select); coding-DNA position 304, G replaced by T.
Protein change: p.Ala102Ser; replaces alanine 102 with serine.
Molecular consequence: missense variant. On other transcripts: non-coding transcript variant (2).
Genome position (GRCh38, 1-based): chr5:1,294,582, C>A on the plus strand (G>T on the coding strand, the complement: TERT is on the minus strand). VCF-style: chr5-1294582-C-A. GRCh37 (hg19) VCF-style: chr5-1294697-C-A.
Other names: c.304G>T, p.Ala102Ser (NM_001193376.3, NM_003219.1); short protein forms A102S.
Identifiers: ClinVar variation 2928999 (VCV002928999.3), dbSNP rs1751266934, ClinGen allele CA359058406.

ClinVar aggregate classification (germline): Uncertain significance (1 of 4 stars; one submission).

Conditions:
Dyskeratosis congenita, autosomal dominant 2. Identifiers: MedGen C3151443, MONDO:0013521, OMIM 613989.
Idiopathic Pulmonary Fibrosis. Also called: Idiopathic fibrosing alveolitis, chronic form; idiopathic fibrosing alveolitis. Identifiers: Orphanet 2032, MedGen C1800706, MeSH D054990, MONDO:0800504.

Submission:

Labcorp Genetics (formerly Invitae), Labcorp
Classification: Uncertain significance for Dyskeratosis congenita, autosomal dominant 2; Idiopathic Pulmonary Fibrosis. Last evaluated: 2023-12-26. Review status: criteria provided, single submitter. Criteria: Invitae Variant Classification Sherloc (09022015). Collection method: clinical testing. Allele origin: germline.
Comment: This sequence change replaces alanine, which is neutral and non-polar, with serine, which is neutral and polar, at codon 102 of the TERT protein (p.Ala102Ser). This variant is not present in population databases (gnomAD no frequency). This variant has not been reported in the literature in individuals affected with TERT-related conditions. Advanced modeling of protein sequence and biophysical properties (such as structural, functional, and spatial information, amino acid conservation, physicochemical variation, residue mobility, and thermodynamic stability) has been performed at Invitae for this missense variant, however the output from this modeling did not meet the statistical confidence thresholds required to predict the impact of this variant on TERT protein function. In summary, the available evidence is currently insufficient to determine the role of this variant in disease. Therefore, it has been classified as a Variant of Uncertain Significance.